The following is an entry in ClinVar:

ClinVar aggregate classification (germline): Likely benign. Review status: criteria provided, multiple submitters, no conflicts (2 of 4 stars). 2 submissions from 2 submitters: Likely benign (2). Last evaluated 2022-11-07.

Submissions (2):

Blueprint Genetics
Classification: Likely benign. Last evaluated: 2022-11-07. Review status: criteria provided, single submitter. Criteria: ACMG Guidelines, 2015. Collection method: clinical testing. Allele origin: germline.

GeneDx
Classification: Likely benign. Last evaluated: 2017-01-19. Review status: criteria provided, single submitter. Criteria: GeneDx Variant Classification (06012015). Collection method: clinical testing. Allele origin: germline. Affected: yes.
Comment: This variant is considered likely benign or benign based on one or more of the following criteria: it is a conservative change, it occurs at a poorly conserved position in the protein, it is predicted to be benign by multiple in silico algorithms, and/or has population frequency not consistent with disease.

NM_000806.5(GABRA1):c.-248+10C>T

Gene: GABRA1 (gamma-aminobutyric acid type A receptor subunit alpha1; plus strand). Cytogenetic location: 5q34.
Variant type: single nucleotide variant.
Coding change: c.-248+10C>T on transcript NM_000806.5; 10 bases into the intron after 248 bases upstream of the start codon, C replaced by T.
Molecular consequence: intron variant.
Genome position (GRCh38, 1-based): chr5:161,847,421, C>T. VCF-style: chr5-161847421-C-T. GRCh37 (hg19) VCF-style: chr5-161274427-C-T.
Identifiers: ClinVar variation 506912 (VCV000506912.4), dbSNP rs1050530276, ClinGen allele CA131081624.